The following is an entry in ClinVar:

NM_003070.5(SMARCA2):c.2126C>T (p.Ser709Leu)

Gene: SMARCA2 (SWI/SNF related BAF chromatin remodeling complex subunit ATPase 2; plus strand). Cytogenetic location: 9p24.3.
Variant type: single nucleotide variant.
Coding change: c.2126C>T on transcript NM_003070.5 (MANE Select); coding-DNA position 2126, C replaced by T.
Protein change: p.Ser709Leu; replaces serine 709 with leucine.
Molecular consequence: missense variant.
Genome position (GRCh38, 1-based): chr9:2,077,718, C>T. VCF-style: chr9-2077718-C-T. GRCh37 (hg19) VCF-style: chr9-2077718-C-T.
Other names: c.2126C>T, p.Ser709Leu (NM_001289396.2, NM_001289397.2, NM_139045.4); short protein forms S709L.
Identifiers: ClinVar variation 1699260 (VCV001699260.7), dbSNP rs199989401, ClinGen allele CA187930165.

ClinVar aggregate classification (germline): Uncertain significance. Review status: criteria provided, multiple submitters, no conflicts (2 of 4 stars). 3 submissions from 3 submitters: Uncertain significance (3). Last evaluated 2024-06-17.

Conditions:
Inborn genetic diseases. Identifiers: MedGen C0950123, MeSH D030342.
Nicolaides-Baraitser syndrome (NCBRS). Also called: Intellectual disability-sparse hair-brachydactyly syndrome; SMARCA2-Related Nicolaides-Baraitser Syndrome. Identifiers: Orphanet 3051, MedGen C1303073, MONDO:0011053, OMIM 601358.

Allele frequency attached by ClinVar (database versions not stated): gnomAD exomes below 0.00001; gnomAD 0.00001; TOPMed 0.00002.
gnomAD v4.1: 59 of 1,613,874 alleles (0.0037%); highest among the groups gnomAD compares: Non-Finnish European, 0.0047%; no homozygotes.

Submissions (3):

Ambry Genetics
Classification: Uncertain significance for Inborn genetic diseases. Last evaluated: 2024-06-17. Review status: criteria provided, single submitter. Criteria: Ambry Variant Classification Scheme 2023. Collection method: clinical testing. Allele origin: germline.

Victorian Clinical Genetics Services, Murdoch Childrens Research Institute
Classification: Uncertain significance for Nicolaides-Baraitser syndrome. Last evaluated: 2022-02-02. Review status: criteria provided, single submitter. Criteria: ACMG Guidelines, 2015. Collection method: clinical testing. Allele origin: germline. Inheritance: Autosomal dominant inheritance. Affected: yes.
Comment: Based on the classification scheme VCGS_Germline_v1.3.4, this variant is classified as VUS-3B. Following criteria are met: 0105 - The mechanism of disease for this gene is not clearly established. (I) 0107 - This gene is associated with autosomal dominant disease. (I) 0200 - Variant is predicted to result in a missense amino acid change from serine to leucine. (I) 0251 - This variant is heterozygous. (I) 0302 - Variant is present in gnomAD (v2) <0.001 for a dominant condition (1 heterozygote, 0 homozygotes). (SP) 0502 - Missense variant with conflicting in silico predictions and uninformative conservation. (I) 0600 - Variant is located in the annotated DEXH-box helicase domain (NCBI Conserved Domain). (I) 0705 - No comparable missense variants have previous evidence for pathogenicity. (I) 0807 - This variant has no previous evidence of pathogenicity. (I) 0905 - No published segregation evidence has been identified for this variant. (I) 1007 - No published functional evidence has been identified for this variant. (I) 1208 - Inheritance information for this variant is not currently available in this individual. (I) Legend: (SP) - Supporting pathogenic, (I) - Information, (SB) - Supporting benign

Revvity Omics, Revvity
Classification: Uncertain significance. Last evaluated: 2019-01-15. Review status: criteria provided, single submitter. Criteria: ACMG Guidelines, 2015. Collection method: clinical testing. Allele origin: germline.